The following is an entry in ClinVar:

NM_015213.4(DENND5A):c.3340G>C (p.Glu1114Gln)

Gene: DENND5A (DENN domain containing 5A; minus strand). Cytogenetic location: 11p15.4.
Variant type: single nucleotide variant.
Coding change: c.3340G>C on transcript NM_015213.4 (MANE Select); coding-DNA position 3340, G replaced by C.
Protein change: p.Glu1114Gln; replaces glutamic acid 1114 with glutamine.
Molecular consequence: missense variant.
Genome position (GRCh38, 1-based): chr11:9,143,450, C>G on the plus strand (G>C on the coding strand, the complement: DENND5A is on the minus strand). VCF-style: chr11-9143450-C-G. GRCh37 (hg19) VCF-style: chr11-9164997-C-G.
Other names: c.3340G>C, p.Glu1114Gln (NM_001243254.2, NM_001348748.1); c.3268G>C, p.Glu1090Gln (NM_001348749.2); c.3052G>C, p.Glu1018Gln (NM_001348750.2); c.3340G>C (NM_015213.3); short protein forms E1018Q, E1090Q, E1114Q.
Identifiers: ClinVar variation 2398640 (VCV002398640.5), dbSNP rs200523654, ClinGen allele CA5877066.

ClinVar aggregate classification (germline): Uncertain significance. Review status: criteria provided, multiple submitters, no conflicts (2 of 4 stars). 2 submissions from 2 submitters: Uncertain significance (2). Last evaluated 2022-02-10.

Conditions:
Inborn genetic diseases. Identifiers: MedGen C0950123, MeSH D030342.

Allele frequency attached by ClinVar (database versions not stated): ExAC 0.00002; gnomAD 0.00007; ESP Exome Variant Server 0.00008; TOPMed 0.00009; 1000 Genomes Project 0.00020; 1000 Genomes Project 30x 0.00031.

Submissions (2):

Ambry Genetics
Classification: Uncertain significance for Inborn genetic diseases. Last evaluated: 2022-02-10. Review status: criteria provided, single submitter. Criteria: Ambry Variant Classification Scheme 2023. Collection method: clinical testing. Allele origin: germline.

Labcorp Genetics (formerly Invitae), Labcorp
Classification: Uncertain significance. Last evaluated: 2021-12-13. Review status: criteria provided, single submitter. Criteria: Invitae Variant Classification Sherloc (09022015). Collection method: clinical testing. Allele origin: germline.
Comment: This sequence change replaces glutamic acid, which is acidic and polar, with glutamine, which is neutral and polar, at codon 1114 of the DENND5A protein (p.Glu1114Gln). This variant is present in population databases (rs200523654, gnomAD 0.03%). This variant has not been reported in the literature in individuals affected with DENND5A-related conditions. Algorithms developed to predict the effect of missense changes on protein structure and function (SIFT, PolyPhen-2, Align-GVGD) all suggest that this variant is likely to be tolerated. In summary, the available evidence is currently insufficient to determine the role of this variant in disease. Therefore, it has been classified as a Variant of Uncertain Significance.